The following is an entry in ClinVar:

NM_007347.5(AP4E1):c.2401G>A (p.Glu801Lys)

Gene: AP4E1 (adaptor related protein complex 4 subunit epsilon 1; plus strand). Cytogenetic location: 15q21.2.
Variant type: single nucleotide variant.
Coding change: c.2401G>A on transcript NM_007347.5 (MANE Select); coding-DNA position 2401, G replaced by A.
Protein change: p.Glu801Lys; replaces glutamic acid 801 with lysine.
Molecular consequence: missense variant.
Genome position (GRCh38, 1-based): chr15:50,997,380, G>A. VCF-style: chr15-50997380-G-A. GRCh37 (hg19) VCF-style: chr15-51289577-G-A.
Other names: c.2176G>A, p.Glu726Lys (NM_001252127.2); short protein forms E801K, E726K.
Identifiers: ClinVar variation 242436 (VCV000242436.5), dbSNP rs556450190, ClinGen allele CA351375.

ClinVar aggregate classification (germline): Uncertain significance. Review status: criteria provided, multiple submitters, no conflicts (2 of 4 stars). 2 submissions from 2 submitters: Uncertain significance (2). Last evaluated 2026-01-05.

Conditions:
Spastic paraplegia. Identifiers: MedGen C0037772, HP:0001258.

Allele frequency attached by ClinVar (database versions not stated): gnomAD exomes 0.00001 and 0.00002; ExAC 0.00003; gnomAD 0.00015 and 0.00017; TOPMed 0.00016; 1000 Genomes Project 0.00020; 1000 Genomes Project 30x 0.00031.
gnomAD v4.1: 31 of 1,603,770 alleles (0.0019%); highest among the groups gnomAD compares: African/African-American, 0.039%; no homozygotes.

Submissions (2):

Labcorp Genetics (formerly Invitae), Labcorp
Classification: Uncertain significance for Spastic paraplegia. Last evaluated: 2026-01-05. Review status: criteria provided, single submitter. Criteria: Invitae Variant Classification Sherloc (09022015). Collection method: clinical testing. Allele origin: germline.
Comment: This sequence change replaces glutamic acid, which is acidic and polar, with lysine, which is basic and polar, at codon 801 of the AP4E1 protein (p.Glu801Lys). This variant is present in population databases (rs556450190, gnomAD 0.04%). This variant has not been reported in the literature in individuals affected with AP4E1-related conditions. ClinVar contains an entry for this variant (Variation ID: 242436). An algorithm developed to predict the effect of missense changes on protein structure and function (PolyPhen-2) suggests that this variant is likely to be tolerated. In summary, the available evidence is currently insufficient to determine the role of this variant in disease. Therefore, it has been classified as a Variant of Uncertain Significance.

Revvity Omics, Revvity
Classification: Uncertain significance. Last evaluated: 2024-10-04. Review status: criteria provided, single submitter. Criteria: ACMG Guidelines, 2015. Collection method: clinical testing. Allele origin: germline.